The following is an entry in ClinVar:

NM_001130004.2(ACTN1):c.127T>A (p.Ser43Thr)

Gene: ACTN1 (actinin alpha 1; minus strand). Cytogenetic location: 14q24.1.
Variant type: single nucleotide variant.
Coding change: c.127T>A on transcript NM_001130004.2 (MANE Select); coding-DNA position 127, T replaced by A.
Protein change: p.Ser43Thr; replaces serine 43 with threonine.
Molecular consequence: missense variant.
Genome position (GRCh38, 1-based): chr14:68,925,651, A>T on the plus strand (T>A on the coding strand, the complement: ACTN1 is on the minus strand). VCF-style: chr14-68925651-A-T. GRCh37 (hg19) VCF-style: chr14-69392368-A-T.
Other names: c.127T>A, p.Ser43Thr (NM_001102.4, NM_001130005.2); short protein forms S43T.
Identifiers: ClinVar variation 1684466 (VCV001684466.1), dbSNP rs769375482, ClinGen allele CA390178075.

ClinVar aggregate classification (germline): Likely pathogenic (0 of 4 stars; one submission).

Conditions:
Platelet-type bleeding disorder 15 (BDPLT15). Also called: MACROTHROMBOCYTOPENIA, AUTOSOMAL DOMINANT, ACTN1-RELATED. Identifiers: Orphanet 140957, MedGen C3554663, MONDO:0014078, OMIM 615193.

gnomAD v4.1: 1 of 1,612,868 alleles (0.000062%); highest among the groups gnomAD compares: Non-Finnish European, 0.000085%; no homozygotes.

Submission:

ISTH-SSC Genomics in Thrombosis and Hemostasis, KU Leuven, Center for Molecular and Vascular Biology
Classification: Likely pathogenic for Platelet-type bleeding disorder 15. Review status: no assertion criteria provided. Collection method: research. Allele origin: unknown. Affected: yes.
Comment: Submitted to GoldVariant by Dr Marie-Christine Morel-Kopp from Northern Blood Research Centre, Sydney, Australia